The following is an entry in ClinVar:

ClinVar aggregate classification (germline): Likely benign. Review status: criteria provided, multiple submitters, no conflicts (2 of 4 stars). 2 submissions from 2 submitters: Likely benign (2). Last evaluated 2025-09-22.

Conditions:
PCLO-related disorder. Also called: PCLO-related condition.

Allele frequency attached by ClinVar (database versions not stated): gnomAD exomes below 0.00001; gnomAD 0.00001 and 0.00002; TOPMed 0.00001.
gnomAD v4.1: 5 of 1,613,088 alleles (0.00031%); highest among the groups gnomAD compares: Middle Eastern, 0.016%; no homozygotes.

Submissions (2):

PreventionGenetics, part of Exact Sciences
Classification: Likely benign for PCLO-related condition. Last evaluated: 2025-09-22. Review status: criteria provided, single submitter. Criteria: ACMG Guidelines, 2015. Collection method: clinical testing. Allele origin: germline.
Comment: This variant is classified as likely benign based on ACMG/AMP sequence variant interpretation guidelines (Richards et al. 2015 PMID: 25741868, with internal and published modifications).

Labcorp Genetics (formerly Invitae), Labcorp
Classification: Likely benign. Last evaluated: 2024-12-15. Review status: criteria provided, single submitter. Criteria: Invitae Variant Classification Sherloc (09022015). Collection method: clinical testing. Allele origin: germline.

NM_033026.6(PCLO):c.4929T>C (p.Leu1643=)

Gene: PCLO (piccolo presynaptic cytomatrix protein; minus strand). Cytogenetic location: 7q21.11.
Variant type: single nucleotide variant.
Coding change: c.4929T>C on transcript NM_033026.6 (MANE Select); coding-DNA position 4929, T replaced by C.
Protein change: p.Leu1643=; no amino-acid change (leucine 1643 retained).
Molecular consequence: synonymous variant.
Genome position (GRCh38, 1-based): chr7:82,956,024, A>G on the plus strand (T>C on the coding strand, the complement: PCLO is on the minus strand). VCF-style: chr7-82956024-A-G. GRCh37 (hg19) VCF-style: chr7-82585340-A-G.
Other names: c.4929T>C, p.Leu1643= (NM_014510.3); c.4929T>C (NM_033026.5).
Identifiers: ClinVar variation 1596379 (VCV001596379.9), dbSNP rs1795507710, ClinGen allele CA456341468.